The following is an entry in ClinVar:

NM_016013.4(NDUFAF1):c.678C>T (p.Asp226=)

Gene: NDUFAF1 (NADH:ubiquinone oxidoreductase complex assembly factor 1; minus strand). Cytogenetic location: 15q15.1.
Variant type: single nucleotide variant.
Coding change: c.678C>T on transcript NM_016013.4 (MANE Select); coding-DNA position 678, C replaced by T.
Protein change: p.Asp226=; no amino-acid change (aspartic acid 226 retained).
Molecular consequence: synonymous variant. On other transcripts: non-coding transcript variant (1).
Genome position (GRCh38, 1-based): chr15:41,394,940, G>A on the plus strand (C>T on the coding strand, the complement: NDUFAF1 is on the minus strand). VCF-style: chr15-41394940-G-A. GRCh37 (hg19) VCF-style: chr15-41687138-G-A.
Identifiers: ClinVar variation 2645191 (VCV002645191.24), dbSNP rs2550177473, ClinGen allele CA489792779.

ClinVar aggregate classification (germline): Likely benign (1 of 4 stars; one submission).

Allele frequency attached by ClinVar (database versions not stated): gnomAD exomes 0.00001.

Submission:

CeGaT Center for Human Genetics Tuebingen
Classification: Likely benign. Last evaluated: 2022-12-01. Review status: criteria provided, single submitter. Criteria: CeGaT Center For Human Genetics Tuebingen Variant Classification Criteria Version 2. Collection method: clinical testing. Allele origin: germline. Affected: yes. Observed: 1 variant allele.
Comment: NDUFAF1: PM2:Supporting, BP4, BP7